The following is an entry in ClinVar:

NM_003872.3(NRP2):c.2391G>A (p.Leu797=)

Gene: NRP2 (neuropilin 2; plus strand). Cytogenetic location: 2q33.3.
Variant type: single nucleotide variant.
Coding change: c.2391G>A on transcript NM_003872.3 (MANE Select); coding-DNA position 2391, G replaced by A.
Protein change: p.Leu797=; no amino-acid change (leucine 797 retained).
Molecular consequence: synonymous variant.
Genome position (GRCh38, 1-based): chr2:205,765,557, G>A. VCF-style: chr2-205765557-G-A. GRCh37 (hg19) VCF-style: chr2-206630281-G-A.
Other names: c.2391G>A, p.Leu797= (NM_018534.4, NM_201266.2, NM_201267.2 and 1 more transcripts).
Identifiers: ClinVar variation 4998241 (VCV004998241.1).

ClinVar aggregate classification (germline): Likely benign (1 of 4 stars; one submission).

Conditions:
NRP2-related disorder. Also called: NRP2-related condition.

Submission:

PreventionGenetics, part of Exact Sciences
Classification: Likely benign for NRP2-related condition. Last evaluated: 2024-11-03. Review status: criteria provided, single submitter. Criteria: ACMG Guidelines, 2015. Collection method: clinical testing. Allele origin: germline.
Comment: This variant is classified as likely benign based on ACMG/AMP sequence variant interpretation guidelines (Richards et al. 2015 PMID: 25741868, with internal and published modifications).